The following is an entry in ClinVar:

ClinVar aggregate classification (germline): Pathogenic. Review status: criteria provided, multiple submitters, no conflicts (2 of 4 stars). 2 submissions from 2 submitters: Pathogenic (2). Last evaluated 2024-08-13.

Conditions:
Autosomal recessive spinocerebellar ataxia 10. Identifiers: Orphanet 284289, MedGen C3150998, MONDO:0013392, OMIM 613728.

Allele frequency attached by ClinVar (database versions not stated): gnomAD exomes below 0.00001.
gnomAD v4.1: 1 of 1,613,092 alleles (0.000062%); highest among the groups gnomAD compares: Middle Eastern, 0.017%; no homozygotes.

Submissions (2):

Myriad Genetics, Inc.
Classification: Pathogenic for Autosomal recessive spinocerebellar ataxia 10. Last evaluated: 2024-08-13. Review status: criteria provided, single submitter. Criteria: Myriad Autosomal Dominant, Autosomal Recessive and X-Linked Classification Criteria (2023). Collection method: clinical testing. Allele origin: unknown.
Comment: NM_018075.3(ANO10):c.470T>A(L157*) is expected to be pathogenic in the context of spinocerebellar ataxia, ANO10-related. This variant is predicted to lead to an abnormal or absent protein product due to the creation of a premature termination codon in ANO10, a gene where loss-of-function variants are known to be pathogenic. Please note: this variant was assessed in the context of healthy population screening.

Labcorp Genetics (formerly Invitae), Labcorp
Classification: Pathogenic. Last evaluated: 2023-10-29. Review status: criteria provided, single submitter. Criteria: Invitae Variant Classification Sherloc (09022015). Collection method: clinical testing. Allele origin: germline.
Comment: This sequence change creates a premature translational stop signal (p.Leu157*) in the ANO10 gene. It is expected to result in an absent or disrupted protein product. Loss-of-function variants in ANO10 are known to be pathogenic (PMID: 25089919). This variant is present in population databases (no rsID available, gnomAD 0.0009%). This variant has not been reported in the literature in individuals affected with ANO10-related conditions. For these reasons, this variant has been classified as Pathogenic.

Literature cited by the submitters: PubMed 25089919 (cited by Labcorp Genetics (formerly Invitae), Labcorp).

NM_018075.5(ANO10):c.470T>A (p.Leu157Ter)

Gene: ANO10 (anoctamin 10; minus strand). Cytogenetic location: 3p22.1.
Variant type: single nucleotide variant.
Coding change: c.470T>A on transcript NM_018075.5 (MANE Select); coding-DNA position 470, T replaced by A.
Protein change: p.Leu157Ter; replaces leucine 157 with a stop codon.
Molecular consequence: nonsense. On other transcripts: intron variant (1).
Genome position (GRCh38, 1-based): chr3:43,598,534, A>T on the plus strand (T>A on the coding strand, the complement: ANO10 is on the minus strand). VCF-style: chr3-43598534-A-T. GRCh37 (hg19) VCF-style: chr3-43640026-A-T.
Other names: c.470T>A, p.Leu157Ter (NM_001346464.2, NM_001346465.2, NM_001346467.2 and 4 more transcripts); c.272T>A, p.Leu91Ter (NM_001346466.2, NM_001346469.2, NM_001204832.3); c.139+7180T>A (NM_001204833.3); short protein forms L91*, L157*.
Identifiers: ClinVar variation 2821448 (VCV002821448.4), dbSNP rs1286072529, ClinGen allele CA352345276.
Genomic context (GRCh38, chr3:43,598,534, plus strand): 5'-ATCTATAATTTGCTATTTATGTCTATTAAGAAAAAGACTGGTTGACATAATGACTTACAC[A>T]ATGATTTTCCTGGATACAACTTTGCCTGAGGGTAACCAGGGATCATTTTTTCATCTTTAG-3'